The following is an entry in ClinVar:

NM_001371333.1(DIABLO):c.523+33T>A

Gene: DIABLO (diablo IAP-binding mitochondrial protein; minus strand). Cytogenetic location: 12q24.31.
Variant type: single nucleotide variant.
Coding change: c.523+33T>A on transcript NM_001371333.1 (MANE Select); 33 bases into the intron after coding-DNA position 523, T replaced by A.
Molecular consequence: intron variant.
Genome position (GRCh38, 1-based): chr12:122,216,455, A>T on the plus strand (T>A on the coding strand, the complement: DIABLO is on the minus strand). VCF-style: chr12-122216455-A-T. GRCh37 (hg19) VCF-style: chr12-122701002-A-T.
Other names: c.304+33T>A (NM_001278303.1); c.391+33T>A (NM_001278342.1); c.232+33T>A (NM_001278302.1); c.364+33T>A (NM_138930.3, NM_001278304.2); c.523+33T>A (NM_019887.6).
Identifiers: ClinVar variation 1703991 (VCV001703991.2), dbSNP rs190518526, ClinGen allele CA6843882.
Genomic context (GRCh38, chr12:122,216,455, plus strand): 5'-AAGCCCTCATTTTAGAAAACCAGATGAAAACTCAAATGGTACCTTCCTAGTTAAAAAATT[A>T]AAAAAAAAACCCAACACAAAACTTGAACCTACCAGTTTGATATGCAGCTTCTGCTGCCAT-3'

ClinVar aggregate classification (germline): Likely benign (1 of 4 stars; one submission).

Allele frequency attached by ClinVar (database versions not stated): gnomAD exomes 0.00005; ExAC 0.00017; TOPMed 0.00030; gnomAD 0.00044; 1000 Genomes Project 0.00120; 1000 Genomes Project 30x 0.00172.
gnomAD v4.1: 134 of 1,466,714 alleles (0.0091%); highest among the groups gnomAD compares: African/African-American, 0.12%; no homozygotes.

Submission:

GeneDx
Classification: Likely benign. Last evaluated: 2021-10-24. Review status: criteria provided, single submitter. Criteria: GeneDx Variant Classification Process June 2021. Collection method: clinical testing. Allele origin: germline. Affected: yes.
Comment: See Variant Classification Assertion Criteria.